The following is an entry in ClinVar:

NM_000170.3(GLDC):c.2770A>T (p.Ile924Phe)

Gene: GLDC (glycine decarboxylase; minus strand). Cytogenetic location: 9p24.1.
Variant type: single nucleotide variant.
Coding change: c.2770A>T on transcript NM_000170.3 (MANE Select); coding-DNA position 2770, A replaced by T.
Protein change: p.Ile924Phe; replaces isoleucine 924 with phenylalanine.
Molecular consequence: missense variant.
Genome position (GRCh38, 1-based): chr9:6,536,132, T>A on the plus strand (A>T on the coding strand, the complement: GLDC is on the minus strand). VCF-style: chr9-6536132-T-A. GRCh37 (hg19) VCF-style: chr9-6536132-T-A.
Other names: short protein forms I924F.
Identifiers: ClinVar variation 3100120 (VCV003100120.1), dbSNP rs1236636035, ClinGen allele CA372882620.
Genomic context (GRCh38, chr9:6,536,132, plus strand): 5'-GATTGACCCTGGGGTCGATGCGGCCCTCCTCAATGTCAGCAATTTCCTGCCGAATGCTGA[T>A]CATGGCATCACAGAATCTGTCCAGCTCTGCCTTGTCCTCCGACTCAGTGGGCTCCACCAT-3'
Protein context (NP_000161.2, residues 914-934): AELDRFCDAM[Ile924Phe]SIRQEIADIE

ClinVar aggregate classification (germline): Uncertain significance (1 of 4 stars; one submission).

Conditions:
Inborn genetic diseases. Identifiers: MedGen C0950123, MeSH D030342.

Allele frequency attached by ClinVar (database versions not stated): gnomAD exomes 0.00002.
gnomAD v4.1: 20 of 1,614,100 alleles (0.0012%); highest among the groups gnomAD compares: Non-Finnish European, 0.0017%; no homozygotes.

Submission:

Ambry Genetics
Classification: Uncertain significance for Inborn genetic diseases. Last evaluated: 2023-12-26. Review status: criteria provided, single submitter. Criteria: Ambry Variant Classification Scheme 2023. Collection method: clinical testing. Allele origin: germline.
Comment: The c.2770A>T (p.I924F) alteration is located in coding exon 23 of the GLDC gene. This alteration results from a A to T substitution at nucleotide position 2770, causing the isoleucine (I) at amino acid position 924 to be replaced by a phenylalanine (F). This allele was reported in one heterozygous individual in population-based cohorts in the Genome Aggregation Database (gnomAD). This amino acid position is well conserved in available vertebrate species. The in silico prediction for this alteration is inconclusive. Based on insufficient or conflicting evidence, the clinical significance of this alteration remains unclear.